The following is an entry in ClinVar:

NM_006269.2(RP1):c.3569C>T (p.Thr1190Ile)

Gene: RP1 (RP1 axonemal microtubule associated; plus strand). Cytogenetic location: 8q12.1.
Variant type: single nucleotide variant.
Coding change: c.3569C>T on transcript NM_006269.2 (MANE Select); coding-DNA position 3569, C replaced by T.
Protein change: p.Thr1190Ile; replaces threonine 1190 with isoleucine.
Molecular consequence: missense variant. On other transcripts: intron variant (1).
Genome position (GRCh38, 1-based): chr8:54,627,451, C>T. VCF-style: chr8-54627451-C-T. GRCh37 (hg19) VCF-style: chr8-55540011-C-T.
Other names: c.787+5163C>T (NM_001375654.1); short protein forms T1190I.
Identifiers: ClinVar variation 968148 (VCV000968148.9), dbSNP rs775611663, ClinGen allele CA4751710.
Genomic context (GRCh38, chr8:54,627,451, plus strand): 5'-TAGCTATCACAGAGGAAGCTGATGACTTGAAAGCTGCTGTTGCCAATTTAGTGGAGTCAA[C>T]TACAAGCCACTTTGGACTCAGTGAGAAAGAACAAGACATGGTTCCAATAGATCTTTCTGC-3'
Protein context (NP_006260.1, residues 1180-1200): KAAVANLVES[Thr1190Ile]TSHFGLSEKE

ClinVar aggregate classification (germline): Uncertain significance. Review status: criteria provided, multiple submitters, no conflicts (2 of 4 stars). 3 submissions from 3 submitters: Uncertain significance (3). Last evaluated 2026-09-24.

Conditions:
RP1-related disorder. Also called: RP1-related condition.
Inborn genetic diseases. Identifiers: MedGen C0950123, MeSH D030342.

Allele frequency attached by ClinVar (database versions not stated): gnomAD exomes below 0.00001 and 0.00001; ExAC 0.00001; gnomAD 0.00003 and 0.00004; TOPMed 0.00004.
gnomAD v4.1: 8 of 1,614,158 alleles (0.0005%); highest among the groups gnomAD compares: African/African-American, 0.008%; no homozygotes.

Submissions (3):

PreventionGenetics, part of Exact Sciences
Classification: Uncertain significance for RP1-related condition. Last evaluated: 2026-09-24. Review status: criteria provided, single submitter. Criteria: ACMG Guidelines, 2015. Collection method: clinical testing. Allele origin: germline.
Comment: The RP1 c.3569C>T variant is predicted to result in the amino acid substitution p.Thr1190Ile. To our knowledge, this variant has not been reported in the literature. This variant is present in 0.0080% of alleles in individuals of African descent in gnomAD. At this time, the clinical significance of this variant is uncertain due to the absence of conclusive functional and genetic evidence.

Labcorp Genetics (formerly Invitae), Labcorp
Classification: Uncertain significance. Last evaluated: 2026-01-05. Review status: criteria provided, single submitter. Criteria: Invitae Variant Classification Sherloc (09022015). Collection method: clinical testing. Allele origin: germline.
Comment: This sequence change replaces threonine, which is neutral and polar, with isoleucine, which is neutral and non-polar, at codon 1190 of the RP1 protein (p.Thr1190Ile). This variant is present in population databases (rs775611663, gnomAD 0.008%). This variant has not been reported in the literature in individuals affected with RP1-related conditions. ClinVar contains an entry for this variant (Variation ID: 968148). An algorithm developed to predict the effect of missense changes on protein structure and function outputs the following: PolyPhen-2: "Benign". The isoleucine amino acid residue is found in multiple mammalian species, which suggests that this missense change does not adversely affect protein function. In summary, the available evidence is currently insufficient to determine the role of this variant in disease. Therefore, it has been classified as a Variant of Uncertain Significance.

Ambry Genetics
Classification: Uncertain significance for Inborn genetic diseases. Last evaluated: 2024-03-18. Review status: criteria provided, single submitter. Criteria: Ambry Variant Classification Scheme 2023. Collection method: clinical testing. Allele origin: germline.